The following is an entry in ClinVar:

ClinVar aggregate classification (germline): Uncertain significance. Review status: criteria provided, multiple submitters, no conflicts (2 of 4 stars). 3 submissions from 3 submitters: Uncertain significance (2). 1 of the submissions does not count toward it. Last evaluated 2026-08-03.

Conditions:
Inborn genetic diseases. Identifiers: MedGen C0950123, MeSH D030342.
COL11A2-related disorder. Also called: COL11A2-related condition; COL11A2-related disorders.

Allele frequency attached by ClinVar (database versions not stated): ExAC 0.00001; gnomAD 0.00001; gnomAD exomes below 0.00001.
gnomAD v4.1: 7 of 1,608,004 alleles (0.00044%); highest among the groups gnomAD compares: African/African-American, 0.0014%; no homozygotes.

Submissions (3):

Ambry Genetics
Classification: Uncertain significance for Inborn genetic diseases. Last evaluated: 2026-08-03. Review status: criteria provided, single submitter. Criteria: Ambry Variant Classification Scheme 2023. Collection method: clinical testing. Allele origin: germline.
Comment: The c.2648G>C (p.G883A) alteration is located in exon 36 (coding exon 36) of the COL11A2 gene. This alteration results from a G to C substitution at nucleotide position 2648, causing the glycine (G) at amino acid position 883 to be replaced by an alanine (A). Based on data from gnomAD, the C allele has an overall frequency of 0.001% (2/242004) total alleles studied. The highest observed frequency was 0.002% (2/107532) of European (non-Finnish) alleles. Based on insufficient or conflicting evidence, the clinical significance of this alteration remains unclear.

Labcorp Genetics (formerly Invitae), Labcorp
Classification: Uncertain significance. Last evaluated: 2025-12-08. Review status: criteria provided, single submitter. Criteria: Invitae Variant Classification Sherloc (09022015). Collection method: clinical testing. Allele origin: germline.
Comment: This sequence change replaces glycine, which is neutral and non-polar, with alanine, which is neutral and non-polar, at codon 883 of the COL11A2 protein (p.Gly883Ala). This variant is present in population databases (rs780696006, gnomAD 0.002%). This variant has not been reported in the literature in individuals affected with COL11A2-related conditions. ClinVar contains an entry for this variant (Variation ID: 2194115). Invitae Evidence Modeling of protein sequence and biophysical properties (such as structural, functional, and spatial information, amino acid conservation, physicochemical variation, residue mobility, and thermodynamic stability) indicates that this missense variant is expected to disrupt COL11A2 protein function with a positive predictive value of 95%. In summary, the available evidence is currently insufficient to determine the role of this variant in disease. Therefore, it has been classified as a Variant of Uncertain Significance.

PreventionGenetics, part of Exact Sciences
Classification: Uncertain significance for COL11A2-related condition. Last evaluated: 2024-03-13. Review status: no assertion criteria provided. Collection method: clinical testing. Allele origin: germline. Not counted in ClinVar's aggregate classification.
Comment: The COL11A2 c.2648G>C variant is predicted to result in the amino acid substitution p.Gly883Ala. To our knowledge, this variant has not been reported in the literature. This variant is reported in 0.0019% of alleles in individuals of European (Non-Finnish) descent in gnomAD. At this time, the clinical significance of this variant is uncertain due to the absence of conclusive functional and genetic evidence.

NM_080680.3(COL11A2):c.2648G>C (p.Gly883Ala)

Gene: COL11A2 (collagen type XI alpha 2 chain; minus strand). Cytogenetic location: 6p21.32.
Variant type: single nucleotide variant.
Coding change: c.2648G>C on transcript NM_080680.3 (MANE Select); coding-DNA position 2648, G replaced by C.
Protein change: p.Gly883Ala; replaces glycine 883 with alanine.
Molecular consequence: missense variant.
Genome position (GRCh38, 1-based): chr6:33,173,536, C>G on the plus strand (G>C on the coding strand, the complement: COL11A2 is on the minus strand). VCF-style: chr6-33173536-C-G. GRCh37 (hg19) VCF-style: chr6-33141313-C-G.
Other names: c.2327G>C, p.Gly776Ala (NM_080679.3); c.2390G>C, p.Gly797Ala (NM_080681.3); c.2648G>C (NM_080680.2); short protein forms G776A, G797A, G883A.
Identifiers: ClinVar variation 2194115 (VCV002194115.6), dbSNP rs780696006, ClinGen allele CA3750786.
Genomic context (GRCh38, chr6:33,173,536, plus strand): 5'-TGGGTCAGAGCTCGGGGTCAACTTACCGGGGGTCCTTTCGGTCCAGGAAACCCGTTGGGA[C>G]CCTGAGGTCCAGGGAGGCCCTAGAGACAGAGGTGGGGGGAGTCAGGAGAATGGGGGCAGG-3'
Protein context (NP_542411.2, residues 873-893): PGERGLPGPQ[Gly883Ala]PNGFPGPKGP